The following is an entry in ClinVar:

ClinVar aggregate classification (germline): Uncertain significance. Review status: criteria provided, multiple submitters, no conflicts (2 of 4 stars). 4 submissions from 4 submitters: Uncertain significance (4). Last evaluated 2025-08-08.

Conditions:
Cerebellar ataxia. Identifiers: Orphanet 102002, MedGen C0007758, MONDO:0000437.

Allele frequency attached by ClinVar (database versions not stated): ExAC 0.00006; TOPMed 0.00008; gnomAD exomes 0.00012; ESP Exome Variant Server 0.00015.
gnomAD v4.1: 181 of 1,614,082 alleles (0.011%); highest among the groups gnomAD compares: Non-Finnish European, 0.015%; no homozygotes.

Submissions (4):

Ambry Genetics
Classification: Uncertain significance. Last evaluated: 2025-08-08. Review status: criteria provided, single submitter. Criteria: Ambry Variant Classification Scheme 2023. Collection method: clinical testing. Allele origin: germline.

Women's Health and Genetics/Laboratory Corporation of America, LabCorp
Classification: Uncertain significance. Last evaluated: 2024-09-20. Review status: criteria provided, single submitter. Criteria: LabCorp Variant Classification Summary - May 2015. Collection method: clinical testing. Allele origin: germline.
Comment: Variant summary: FAT2 c.8147T>C (p.Val2716Ala) results in a non-conservative amino acid change located in the Cadherin-lik domain (IPR002126) of the encoded protein sequence. Two of four in-silico tools predict a benign effect of the variant on protein function. The variant allele was found at a frequency of 4.8e-05 in 251168 control chromosomes. This frequency is not significantly higher than estimated for a pathogenic variant in FAT2 causing Spinocerebellar Ataxia 45, allowing no conclusion about variant significance. To our knowledge, no occurrence of c.8147T>C in individuals affected with Spinocerebellar Ataxia 45 and no experimental evidence demonstrating its impact on protein function have been reported. ClinVar contains an entry for this variant (Variation ID: 2188626). Based on the evidence outlined above, the variant was classified as uncertain significance.

Molecular Genetics, Royal Melbourne Hospital
Classification: Uncertain significance for Cerebellar ataxia. Last evaluated: 2024-08-05. Review status: criteria provided, single submitter. Criteria: ACMG Guidelines, 2015. Collection method: clinical testing. Allele origin: germline. Inheritance: Autosomal dominant inheritance. Affected: yes.

Labcorp Genetics (formerly Invitae), Labcorp
Classification: Uncertain significance. Last evaluated: 2023-02-27. Review status: criteria provided, single submitter. Criteria: Invitae Variant Classification Sherloc (09022015). Collection method: clinical testing. Allele origin: germline.
Comment: This sequence change replaces valine, which is neutral and non-polar, with alanine, which is neutral and non-polar, at codon 2716 of the FAT2 protein (p.Val2716Ala). In summary, the available evidence is currently insufficient to determine the role of this variant in disease. Therefore, it has been classified as a Variant of Uncertain Significance. Advanced modeling of protein sequence and biophysical properties (such as structural, functional, and spatial information, amino acid conservation, physicochemical variation, residue mobility, and thermodynamic stability) performed at Invitae indicates that this missense variant is not expected to disrupt FAT2 protein function. ClinVar contains an entry for this variant (Variation ID: 2188626). This variant has not been reported in the literature in individuals affected with FAT2-related conditions. This variant is present in population databases (rs141268787, gnomAD 0.01%).

NM_001447.3(FAT2):c.8147T>C (p.Val2716Ala)

Genes: FAT2 (FAT atypical cadherin 2; minus strand), SLC36A1 (solute carrier family 36 member 1; plus strand). Cytogenetic location: 5q33.1.
Variant type: single nucleotide variant.
Coding change: c.8147T>C on transcript NM_001447.3 (MANE Select); coding-DNA position 8147, T replaced by C.
Protein change: p.Val2716Ala; replaces valine 2716 with alanine.
Molecular consequence: missense variant.
Genome position (GRCh38, 1-based): chr5:151,542,980, A>G on the plus strand (T>C on the coding strand, the complement: FAT2 is on the minus strand). VCF-style: chr5-151542980-A-G. GRCh37 (hg19) VCF-style: chr5-150922541-A-G.
Other names: c.8147T>C (NM_001447.2); short protein forms V2716A.
Identifiers: ClinVar variation 2188626 (VCV002188626.10), dbSNP rs141268787, ClinGen allele CA3520844.